The following is an entry in ClinVar:

NM_025132.4(WDR19):c.1982+2T>C

Gene: WDR19 (WD repeat domain 19; plus strand). Cytogenetic location: 4p14.
Variant type: single nucleotide variant.
Coding change: c.1982+2T>C on transcript NM_025132.4 (MANE Select); the canonical splice donor site of the intron after coding-DNA position 1982, T replaced by C.
Molecular consequence: splice donor variant.
Genome position (GRCh38, 1-based): chr4:39,228,692, T>C. VCF-style: chr4-39228692-T-C. GRCh37 (hg19) VCF-style: chr4-39230312-T-C.
Other names: c.1502+2T>C (NM_001317924.2).
Identifiers: ClinVar variation 568100 (VCV000568100.14), dbSNP rs780847651, ClinGen allele CA2891975.

ClinVar aggregate classification (germline): Pathogenic/Likely pathogenic. Review status: criteria provided, multiple submitters, no conflicts (2 of 4 stars). 5 submissions from 5 submitters: Pathogenic (1); Likely pathogenic (4). Last evaluated 2025-11-15.

Conditions:
Cranioectodermal dysplasia 4 (CED4). Identifiers: Orphanet 1515, MedGen C3280616, MONDO:0013719, OMIM 614378.
Asphyxiating thoracic dystrophy 5 (SRTD5). Also called: SHORT-RIB THORACIC DYSPLASIA 5 WITH OR WITHOUT POLYDACTYLY; SHORT-RIB THORACIC DYSPLASIA 5 WITHOUT POLYDACTYLY. Identifiers: Orphanet 474, MedGen C3280598, MONDO:0013717, OMIM 614376.
Nephronophthisis 13 (NPHP13). Identifiers: Orphanet 655, MedGen C3280612, MONDO:0013718, OMIM 614377.
Senior-Loken syndrome 8 (SLSN8). Identifiers: Orphanet 3156, MedGen C4225376, MONDO:0014579, OMIM 616307.
Spermatogenic failure 72 (SPGF72). Identifiers: MedGen C5676980, MONDO:0030809, OMIM 619867.
WDR19-related disorder. Also called: WDR19-related disorders; WDR19-related condition. Identifiers: MedGen CN380161.

Allele frequency attached by ClinVar (database versions not stated): gnomAD 0.00001; gnomAD exomes 0.00001 and 0.00002; TOPMed 0.00001; ExAC 0.00002.
gnomAD v4.1: 4 of 1,566,062 alleles (0.00026%); highest among the groups gnomAD compares: East Asian, 0.009%; no homozygotes.

Submissions (5):

Labcorp Genetics (formerly Invitae), Labcorp
Classification: Likely pathogenic for Senior-Loken syndrome 8; Asphyxiating thoracic dystrophy 5. Last evaluated: 2025-11-15. Review status: criteria provided, single submitter. Criteria: Invitae Variant Classification Sherloc (09022015). Collection method: clinical testing. Allele origin: germline.
Comment: This sequence change affects a donor splice site in intron 17 of the WDR19 gene. It is expected to disrupt RNA splicing. Variants that disrupt the donor or acceptor splice site typically lead to a loss of protein function (PMID: 16199547), and loss-of-function variants in WDR19 are known to be pathogenic (PMID: 22019273, 23559409, 23683095, 26275793, 27241786, 29068549). This variant is present in population databases (rs780847651, gnomAD 0.02%). Disruption of this splice site has been observed in individual(s) with clinical features of WDR19-related conditions and/or retinitis pigmentosa (PMID: 31054281, 36729443). ClinVar contains an entry for this variant (Variation ID: 568100). Algorithms developed to predict the effect of sequence changes on RNA splicing suggest that this variant may disrupt the consensus splice site. In summary, the currently available evidence indicates that the variant is pathogenic, but additional data are needed to prove that conclusively. Therefore, this variant has been classified as Likely Pathogenic.

Genomic Medicine Center of Excellence, King Faisal Specialist Hospital and Research Centre
Classification: Pathogenic for Nephronophthisis 13. Last evaluated: 2025-09-10. Review status: criteria provided, single submitter. Criteria: ACMG Guidelines, 2015. Collection method: clinical testing. Allele origin: germline.

Fulgent Genetics
Classification: Likely pathogenic for Asphyxiating thoracic dystrophy 5; Nephronophthisis 13; Cranioectodermal dysplasia 4; Senior-Loken syndrome 8; Spermatogenic failure 72. Last evaluated: 2024-01-23. Review status: criteria provided, single submitter. Criteria: ACMG Guidelines, 2015. Collection method: clinical testing. Allele origin: germline.

Blueprint Genetics
Classification: Likely pathogenic for WDR19-related disorders. Last evaluated: 2023-07-28. Review status: criteria provided, single submitter. Criteria: ACMG Guidelines, 2015. Collection method: clinical testing. Allele origin: germline. Affected: yes. Observed: 1 variant allele.

Juno Genomics, Hangzhou Juno Genomics, Inc
Classification: Likely pathogenic for Senior-Loken syndrome 8; Asphyxiating thoracic dystrophy 5; Spermatogenic failure 72; Cranioectodermal dysplasia 4; Nephronophthisis 13. Review status: criteria provided, single submitter. Criteria: ACMG Guidelines, 2015. Collection method: clinical testing. Allele origin: germline.
Comment: Absent from controls (or at extremely low frequency if recessive) in Genome Aggregation Database.;Null variant in a gene where loss of function (LOF) is a known mechanism of disease.

Literature cited by the submitters: PubMed 16199547 (cited by Labcorp Genetics (formerly Invitae), Labcorp); PubMed 22019273 (cited by Labcorp Genetics (formerly Invitae), Labcorp); PubMed 23559409 (cited by Labcorp Genetics (formerly Invitae), Labcorp); PubMed 23683095 (cited by Labcorp Genetics (formerly Invitae), Labcorp); PubMed 26275793 (cited by Labcorp Genetics (formerly Invitae), Labcorp); PubMed 27241786 (cited by Labcorp Genetics (formerly Invitae), Labcorp); PubMed 29068549 (cited by Labcorp Genetics (formerly Invitae), Labcorp); PubMed 31054281 (cited by Labcorp Genetics (formerly Invitae), Labcorp); PubMed 36729443 (cited by Labcorp Genetics (formerly Invitae), Labcorp).